The following is an entry in ClinVar:

ClinVar aggregate classification (germline): Uncertain significance (1 of 4 stars; one submission).

Submission:

Mayo Clinic Laboratories, Mayo Clinic
Classification: Uncertain significance. Last evaluated: 2024-05-15. Review status: criteria provided, single submitter. Criteria: ACMG Guidelines, 2015. Collection method: clinical testing. Allele origin: germline. Observed: 1 variant allele.
Comment: BP4, PM2

NM_030787.4(CFHR5):c.1337C>A (p.Thr446Asn)

Gene: CFHR5 (complement factor H related 5; plus strand). Cytogenetic location: 1q31.3.
Variant type: single nucleotide variant.
Coding change: c.1337C>A on transcript NM_030787.4 (MANE Select); coding-DNA position 1337, C replaced by A.
Protein change: p.Thr446Asn; replaces threonine 446 with asparagine.
Molecular consequence: missense variant.
Genome position (GRCh38, 1-based): chr1:197,004,667, C>A. VCF-style: chr1-197004667-C-A. GRCh37 (hg19) VCF-style: chr1-196973797-C-A.
Other names: p.Thr446Asn; short protein forms T446N.
Identifiers: ClinVar variation 3380474 (VCV003380474.1).